The following is an entry in ClinVar:

NM_001267550.2(TTN):c.57603C>A (p.Cys19201Ter)

Genes: TTN-AS1 (TTN antisense RNA 1; plus strand), TTN (titin; minus strand). Cytogenetic location: 2q31.2.
Variant type: single nucleotide variant.
Coding change: c.57603C>A on transcript NM_001267550.2 (MANE Select); coding-DNA position 57603, C replaced by A.
Protein change: p.Cys19201Ter; replaces cysteine 19201 with a stop codon.
Molecular consequence: nonsense.
Genome position (GRCh38, 1-based): chr2:178,595,751, G>T on the plus strand (C>A on the coding strand, the complement: TTN is on the minus strand). VCF-style: chr2-178595751-G-T. GRCh37 (hg19) VCF-style: chr2-179460478-G-T.
Other names: p.Cys17560*; c.52680C>A, p.Cys17560Ter (NM_001256850.1); c.30408C>A, p.Cys10136Ter (NM_003319.4); c.49899C>A, p.Cys16633Ter (NM_133378.4); c.30783C>A, p.Cys10261Ter (NM_133432.3); c.30984C>A, p.Cys10328Ter (NM_133437.4); c.57603C>A (NM_001267550.1); short protein forms C10136*, C10261*, C10328*, C16633*, C17560*, C19201*.
Identifiers: ClinVar variation 1068219 (VCV001068219.11), dbSNP rs1418030810, ClinGen allele CA349516469.

ClinVar aggregate classification (germline): Likely pathogenic. Review status: criteria provided, multiple submitters, no conflicts (2 of 4 stars). 3 submissions from 3 submitters: Likely pathogenic (3). Last evaluated 2025-06-29.

Conditions:
Dilated cardiomyopathy 1G (CMD1G). Identifiers: Orphanet 154, MedGen C1858763, MONDO:0011400, OMIM 604145.
Autosomal recessive limb-girdle muscular dystrophy type 2J (LGMDR10). Also called: Limb-girdle muscular dystrophy, type 2J; MUSCULAR DYSTROPHY, LIMB-GIRDLE, AUTOSOMAL RECESSIVE 10. Identifiers: Orphanet 140922, MedGen C1837342, MONDO:0012127, OMIM 608807.

Allele frequency attached by ClinVar (database versions not stated): gnomAD exomes below 0.00001 and 0.00001; gnomAD 0.00001; TOPMed 0.00001.

Submissions (3):

Labcorp Genetics (formerly Invitae), Labcorp
Classification: Likely pathogenic for Dilated cardiomyopathy 1G; Autosomal recessive limb-girdle muscular dystrophy type 2J. Last evaluated: 2025-06-29. Review status: criteria provided, single submitter. Criteria: Invitae Variant Classification Sherloc (09022015). Collection method: clinical testing. Allele origin: germline.
Comment: This sequence change creates a premature translational stop signal (p.Cys19201*) in the TTN gene. While this is not anticipated to result in nonsense mediated decay, it is expected to create a truncated TTN protein. The frequency data for this variant in the population databases is considered unreliable, as metrics indicate poor data quality at this position in the gnomAD database. This premature translational stop signal has been observed in individual(s) with atrial fibrillation (PMID: 30535219, 34495297). ClinVar contains an entry for this variant (Variation ID: 1068219). This variant is located in the A band of TTN (PMID: 25589632). Truncating variants in this region are significantly overrepresented in patients affected with dilated cardiomyopathy (PMID: 25589632). Truncating variants in this region have also been reported in individuals affected with autosomal recessive centronuclear myopathy (PMID: 23975875). In summary, the currently available evidence indicates that the variant is pathogenic, but additional data are needed to prove that conclusively. Therefore, this variant has been classified as Likely Pathogenic.

Mayo Clinic Laboratories, Mayo Clinic
Classification: Likely pathogenic. Last evaluated: 2024-10-29. Review status: criteria provided, single submitter. Criteria: ACMG Guidelines, 2015. Collection method: clinical testing. Allele origin: germline. Observed: 2 variant alleles.
Comment: PM2_supporting, PVS1

GeneDx
Classification: Likely pathogenic. Last evaluated: 2022-08-29. Review status: criteria provided, single submitter. Criteria: GeneDx Variant Classification Process June 2021. Collection method: clinical testing. Allele origin: germline. Affected: yes.
Comment: Identified in a patient with early-onset atrial fibrillation in published literature (Choi et al., 2018); Not observed at significant frequency in large population cohorts (gnomAD); Located in the A-band region of TTN in which the majority of loss of function variants have been associated with autosomal dominant titinopathies (Herman et al., 2012); Nonsense variant predicted to result in protein truncation or nonsense mediated decay in a gene for which loss of function is a known mechanism of disease; This variant is associated with the following publications: (PMID: 22335739, 30535219)

Literature cited by the submitters: PubMed 30535219 (cited by Labcorp Genetics (formerly Invitae), Labcorp and Mayo Clinic Laboratories, Mayo Clinic); PubMed 34495297 (cited by Labcorp Genetics (formerly Invitae), Labcorp and Mayo Clinic Laboratories, Mayo Clinic); PubMed 25589632 (cited by Labcorp Genetics (formerly Invitae), Labcorp); PubMed 23975875 (cited by Labcorp Genetics (formerly Invitae), Labcorp).